The following is an entry in ClinVar:

ClinVar aggregate classification (germline): Pathogenic (1 of 4 stars; one submission).

gnomAD v4.1: 2 of 1,613,972 alleles (0.00012%); highest among the groups gnomAD compares: Non-Finnish European, 0.00017%; no homozygotes.

Submission:

ARUP Laboratories, Molecular Genetics and Genomics, ARUP Laboratories
Classification: Pathogenic. Last evaluated: 2023-09-02. Review status: criteria provided, single submitter. Criteria: ARUP Molecular Germline Variant Investigation Process 2024. Collection method: clinical testing. Allele origin: germline.
Comment: The SPTA1 c.2506A>T; p.Arg836Ter variant, to our knowledge, is not reported in the medical literature or gene specific databases. This variant is also absent from the Genome Aggregation Database, indicating it is not a common polymorphism. This variant induces an early termination codon and is predicted to result in a truncated protein or mRNA subject to nonsense-mediated decay. Based on available information, this variant is considered to be pathogenic.

NM_003126.4(SPTA1):c.2506A>T (p.Arg836Ter)

Gene: SPTA1 (spectrin alpha, erythrocytic 1; minus strand). Cytogenetic location: 1q23.1.
Variant type: single nucleotide variant.
Coding change: c.2506A>T on transcript NM_003126.4 (MANE Select); coding-DNA position 2506, A replaced by T.
Protein change: p.Arg836Ter; replaces arginine 836 with a stop codon.
Molecular consequence: nonsense.
Genome position (GRCh38, 1-based): chr1:158,661,368, T>A on the plus strand (A>T on the coding strand, the complement: SPTA1 is on the minus strand). VCF-style: chr1-158661368-T-A. GRCh37 (hg19) VCF-style: chr1-158631158-T-A.
Other names: short protein forms R836*.
Identifiers: ClinVar variation 2921214 (VCV002921214.1), dbSNP rs201844450, ClinGen allele CA343041696.